The following is an entry in ClinVar:

NM_001111125.3(IQSEC2):c.4039dup (p.Ala1347fs)

Gene: IQSEC2 (IQ motif and Sec7 domain ArfGEF 2; minus strand). Cytogenetic location: Xp11.22.
Variant type: Duplication.
Coding change: c.4039dup on transcript NM_001111125.3 (MANE Select); coding-DNA position 4039, one base duplicated (G; older notation c.4039dupG).
Protein change: p.Ala1347fs; shifts the reading frame from alanine 1347.
Molecular consequence: frameshift variant. On other transcripts: 3 prime UTR variant (1).
Genome position (GRCh38, 1-based): chrX:53,234,647, C duplicated on the plus strand (G on the coding strand, the reverse complement: IQSEC2 is on the minus strand); the first of 6 consecutive C bases (chrX:53,234,647-53,234,652); duplicating any one gives the same sequence. VCF-style (leftmost placement, unchanged base first): chrX-53234646-G-GC. GRCh37 (hg19) VCF-style: chrX-53263828-G-GC.
Other names: c.*524dup (NM_015075.2); c.4039dupG (NM_001111125.2, NM_001111125.1); c.4039dup (NM_001111125.1); short protein forms A1347fs.
Identifiers: ClinVar variation 422032 (VCV000422032.12), dbSNP rs1064795512, ClinGen allele CA16621437.

ClinVar aggregate classification (germline): Pathogenic. Review status: criteria provided, multiple submitters, no conflicts (2 of 4 stars). 2 submissions from 2 submitters: Pathogenic (2). Last evaluated 2024-03-14.

Conditions:
Intellectual developmental disorder, X-linked 1. Also called: Intellectual disability, X-linked 1; Atkin Flaitz Patil Smith syndrome; MENTAL RETARDATION, X-LINKED 18; MENTAL RETARDATION, X-LINKED 78. Identifiers: Orphanet 777, MedGen C2931498, MONDO:0010656, OMIM 309530.

Submissions (2):

GeneDx
Classification: Pathogenic. Last evaluated: 2024-03-14. Review status: criteria provided, single submitter. Criteria: GeneDx Variant Classification Process June 2021. Collection method: clinical testing. Allele origin: germline. Affected: yes.
Comment: Frameshift variant predicted to result in abnormal protein length as the last 142 amino acids are replaced with 39 different amino acids, and other similar variants have been reported in HGMD; Not observed at significant frequency in large population cohorts (gnomAD); This variant is associated with the following publications: (PMID: 27864847, 30206421)

Labcorp Genetics (formerly Invitae), Labcorp
Classification: Pathogenic for Intellectual developmental disorder, X-linked 1. Last evaluated: 2023-06-23. Review status: criteria provided, single submitter. Criteria: Invitae Variant Classification Sherloc (09022015). Collection method: clinical testing. Allele origin: germline.
Comment: ClinVar contains an entry for this variant (Variation ID: 422032). This premature translational stop signal has been observed in individual(s) with epileptic encephalopathy, microcephaly and autism spectrum disorder (PMID: 27864847). In at least one individual the variant was observed to be de novo. This variant is not present in population databases (gnomAD no frequency). This sequence change creates a premature translational stop signal (p.Ala1347Glyfs*40) in the IQSEC2 gene. While this is not anticipated to result in nonsense mediated decay, it is expected to disrupt the last 142 amino acid(s) of the IQSEC2 protein. This variant disrupts a region of the IQSEC2 protein in which other variant(s) (p.Lys1480Argfs*17) have been determined to be pathogenic (Invitae). This suggests that this is a clinically significant region of the protein, and that variants that disrupt it are likely to be disease-causing. For these reasons, this variant has been classified as Pathogenic.

Literature cited by the submitters: PubMed 27864847 (cited by Labcorp Genetics (formerly Invitae), Labcorp).